The following is an entry in ClinVar:

NM_014043.4(CHMP2B):c.85A>G (p.Ile29Val)

Gene: CHMP2B (charged multivesicular body protein 2B; plus strand). Cytogenetic location: 3p11.2.
Variant type: single nucleotide variant.
Coding change: c.85A>G on transcript NM_014043.4 (MANE Select); coding-DNA position 85, A replaced by G.
Protein change: p.Ile29Val; replaces isoleucine 29 with valine.
Molecular consequence: missense variant. On other transcripts: intron variant (1).
Genome position (GRCh38, 1-based): chr3:87,240,749, A>G. VCF-style: chr3-87240749-A-G. GRCh37 (hg19) VCF-style: chr3-87289899-A-G.
Other names: c.4-4965A>G (NM_001244644.2); short protein forms I29V.
Identifiers: ClinVar variation 21507 (VCV000021507.43), dbSNP rs63750818, ClinGen allele CA224967.
Genomic context (GRCh38, chr3:87,240,749, plus strand): 5'-ATTCTCCTAGATGTAATAAAGGAACAGAATCGAGAGTTACGAGGTACACAGAGGGCTATA[A>G]TCAGAGATCGAGCAGCTTTAGAGAAACAAGAAAAACAGCTGGTAAGTAGAACGTTAAATT-3'
Protein context (NP_054762.2, residues 19-39): RELRGTQRAI[Ile29Val]RDRAALEKQE

ClinVar aggregate classification (germline): Uncertain significance. Review status: criteria provided, multiple submitters, no conflicts (2 of 4 stars). 9 submissions from 9 submitters: Uncertain significance (6). 3 of the submissions do not count toward it. Last evaluated 2026-09-01.

Conditions:
Frontotemporal dementia and/or amyotrophic lateral sclerosis 7 (FTDALS7). Also called: Amyotrophic lateral sclerosis 17; AMYOTROPHIC LATERAL SCLEROSIS, CHMP2B-RELATED; CHMP2B-Related Frontotemporal Dementia-Amyotrophic Lateral Sclerosis; CHMP2B-related frontotemporal dementia. Identifiers: Orphanet 275864, Orphanet 282, Orphanet 803, MedGen C1833296, MONDO:0010936, OMIM 600795.

Allele frequency attached by ClinVar (database versions not stated): gnomAD exomes 0.00016 and 0.00034; gnomAD 0.00019 and 0.00020; ExAC 0.00012; ESP Exome Variant Server 0.00015; TOPMed 0.00021.

Submissions (9):

CeGaT Center for Human Genetics Tuebingen
Classification: Uncertain significance. Last evaluated: 2026-09-01. Review status: criteria provided, single submitter. Criteria: CeGaT Center For Human Genetics Tuebingen Variant Classification Criteria Version 2. Collection method: clinical testing. Allele origin: germline. Affected: yes. Observed: 2 variant alleles.
Comment: CHMP2B: PM2:Supporting, BP4

Labcorp Genetics (formerly Invitae), Labcorp
Classification: Uncertain significance for Frontotemporal dementia and/or amyotrophic lateral sclerosis 7. Last evaluated: 2025-08-27. Review status: criteria provided, single submitter. Criteria: Invitae Variant Classification Sherloc (09022015). Collection method: clinical testing. Allele origin: germline.
Comment: This sequence change replaces isoleucine, which is neutral and non-polar, with valine, which is neutral and non-polar, at codon 29 of the CHMP2B protein (p.Ile29Val). This variant is present in population databases (rs63750818, gnomAD 0.03%), and has an allele count higher than expected for a pathogenic variant. This missense change has been observed in individual(s) with amyotrophic lateral sclerosis, dementia with Lewy bodies and primary muscular atrophy (PMID: 16431024, 16807408, 16941655, 20352044, 21222599, 26836416, 28430856, 29431110, 29525180, 35896380). ClinVar contains an entry for this variant (Variation ID: 21507). An algorithm developed to predict the effect of missense changes on protein structure and function outputs the following: PolyPhen-2: "Benign". The valine amino acid residue is found in multiple mammalian species, which suggests that this missense change does not adversely affect protein function. Experimental studies are conflicting or provide insufficient evidence to determine the effect of this variant on CHMP2B function (PMID: 20352044, 30766798). In summary, the available evidence is currently insufficient to determine the role of this variant in disease. Therefore, it has been classified as a Variant of Uncertain Significance.

Department of Pathology and Laboratory Medicine, Sinai Health System
Classification: Uncertain significance for frontotemporal dementia and/or amyotrophic lateral sclerosis 7. Last evaluated: 2021-08-06. Review status: criteria provided, single submitter. Criteria: ACMG Guidelines, 2015. Collection method: research. Allele origin: germline.

Athena Diagnostics
Classification: Uncertain significance. Last evaluated: 2020-04-15. Review status: criteria provided, single submitter. Criteria: Athena Diagnostics Criteria. Collection method: clinical testing. Allele origin: unknown.

GeneDx
Classification: Uncertain significance. Last evaluated: 2019-09-25. Review status: criteria provided, single submitter. Criteria: GeneDx Variant Classification Process June 2021. Collection method: clinical testing. Allele origin: germline. Affected: yes.
Comment: Published functional studies demonstrate a damaging effect indicating that this alteration results in cells with more large cytoplasmic vacuoles, mislocalization of the CHMP2B protein to the outer membrane, and defects in the autophagy pathway (Cox et al., 2010); The Alzheimer Disease and Frontotemporal Dementia Mutation Database classifies this variant as pathogenic nature unclear (Cruts et al., 2012); In silico analysis, which includes protein predictors and evolutionary conservation, supports that this variant does not alter protein structure/function; This variant is associated with the following publications: (PMID: 16807408, 16431024, 20352044, 26836416, 21222599, 28430856, 29525180, 29431110, 30766798, 29916020, 31996268)

Genomic Research Center, Shahid Beheshti University of Medical Sciences
Classification: Uncertain significance for Amyotrophic lateral sclerosis 17. Last evaluated: 2018-08-07. Review status: criteria provided, single submitter. Criteria: ACMG Guidelines, 2015. Collection method: clinical testing. Allele origin: inherited. Affected: yes. Observed: 1 variant allele.

OMIM
Classification: Pathogenic for FRONTOTEMPORAL DEMENTIA AND/OR AMYOTROPHIC LATERAL SCLEROSIS 7. Last evaluated: 2010-03-24. Review status: no assertion criteria provided. Collection method: literature only. Allele origin: germline. Not counted in ClinVar's aggregate classification.

GeneReviews
No classification provided. Condition: Frontotemporal dementia and/or amyotrophic lateral sclerosis 7. Review status: no classification provided. Collection method: literature only. Allele origin: unknown. Not counted in ClinVar's aggregate classification.

VIB  Department of Molecular Genetics, University of Antwerp
No classification provided. Review status: no classification provided. Collection method: not provided. Allele origin: unknown. Not counted in ClinVar's aggregate classification.

Literature cited by the submitters: PubMed 16431024 (cited by 4 submitters); PubMed 16807408 (cited by 4 submitters); PubMed 16941655 (cited by 3 submitters); PubMed 20352044 (cited by 3 submitters); PubMed 21222599 (cited by Labcorp Genetics (formerly Invitae), Labcorp and Athena Diagnostics); PubMed 26836416 (cited by Labcorp Genetics (formerly Invitae), Labcorp and Athena Diagnostics); PubMed 28430856 (cited by Labcorp Genetics (formerly Invitae), Labcorp and Athena Diagnostics); PubMed 29431110 (cited by Labcorp Genetics (formerly Invitae), Labcorp); PubMed 29525180 (cited by Labcorp Genetics (formerly Invitae), Labcorp); PubMed 35896380 (cited by Labcorp Genetics (formerly Invitae), Labcorp); PubMed 30766798 (cited by Labcorp Genetics (formerly Invitae), Labcorp); PubMed 20592581 (cited by Athena Diagnostics); PubMed 20301378 (cited by GeneReviews); NCBI Bookshelf NBK1199 (cited by GeneReviews).